The following is an entry in ClinVar:

NM_024426.6(WT1):c.1079G>C (p.Arg360Thr)

Gene: WT1 (WT1 transcription factor; minus strand). Cytogenetic location: 11p13.
Variant type: single nucleotide variant.
Coding change: c.1079G>C on transcript NM_024426.6 (MANE Select); coding-DNA position 1079, G replaced by C.
Protein change: p.Arg360Thr; replaces arginine 360 with threonine.
Molecular consequence: missense variant. On other transcripts: 5 prime UTR variant (1), non-coding transcript variant (2).
Genome position (GRCh38, 1-based): chr11:32,399,982, C>G on the plus strand (G>C on the coding strand, the complement: WT1 is on the minus strand). VCF-style: chr11-32399982-C-G. GRCh37 (hg19) VCF-style: chr11-32421528-C-G.
Other names: c.1028G>C, p.Arg343Thr (NM_000378.6, NM_001407045.1, NM_001407048.1 and 1 more transcripts); c.428G>C, p.Arg143Thr (NM_001198551.2); c.377G>C, p.Arg126Thr (NM_001198552.2); c.-110G>C (NM_001367854.1); c.1073G>C, p.Arg358Thr (NM_001407044.1); c.1079G>C, p.Arg360Thr (NM_001407046.1, NM_024424.5); c.956G>C, p.Arg319Thr (NM_001407047.1); c.905G>C, p.Arg302Thr (NM_001407050.1); and 3 more; short protein forms R106T, R126T, R360T, R355T, R319T, R358T, R143T, R270T.
Identifiers: ClinVar variation 5032020 (VCV005032020.1).

ClinVar aggregate classification (germline): Uncertain significance (1 of 4 stars; one submission).

Conditions:
Inborn genetic diseases. Identifiers: MedGen C0950123, MeSH D030342.

Submission:

Ambry Genetics
Classification: Uncertain significance for Inborn genetic diseases. Last evaluated: 2026-07-02. Review status: criteria provided, single submitter. Criteria: Ambry Variant Classification Scheme 2023. Collection method: clinical testing. Allele origin: germline.
Comment: The p.R355T variant (also known as c.1064G>C), located in coding exon 6 of the WT1 gene, results from a G to C substitution at nucleotide position 1064. The arginine at codon 355 is replaced by threonine, an amino acid with similar properties. This amino acid position is conserved. In addition, the in silico prediction for this alteration is inconclusive. Based on the available evidence, the clinical significance of this variant remains unclear.